The following is an entry in ClinVar:

ClinVar aggregate classification (germline): Uncertain significance (1 of 4 stars; one submission).

Allele frequency attached by ClinVar (database versions not stated): gnomAD exomes below 0.00001 and 0.00001; ExAC 0.00001; TOPMed 0.00001.
gnomAD v4.1: 4 of 1,607,696 alleles (0.00025%); highest among the groups gnomAD compares: Non-Finnish European, 0.00034%; no homozygotes.

Submission:

Labcorp Genetics (formerly Invitae), Labcorp
Classification: Uncertain significance. Last evaluated: 2024-11-18. Review status: criteria provided, single submitter. Criteria: Invitae Variant Classification Sherloc (09022015). Collection method: clinical testing. Allele origin: germline.
Comment: This sequence change replaces leucine, which is neutral and non-polar, with proline, which is neutral and non-polar, at codon 383 of the CEP78 protein (p.Leu383Pro). This variant is present in population databases (rs770910332, gnomAD 0.0009%). This variant has not been reported in the literature in individuals affected with CEP78-related conditions. ClinVar contains an entry for this variant (Variation ID: 850151). Invitae Evidence Modeling of protein sequence and biophysical properties (such as structural, functional, and spatial information, amino acid conservation, physicochemical variation, residue mobility, and thermodynamic stability) indicates that this missense variant is not expected to disrupt CEP78 protein function with a negative predictive value of 80%. In summary, the available evidence is currently insufficient to determine the role of this variant in disease. Therefore, it has been classified as a Variant of Uncertain Significance.

NM_001330691.3(CEP78):c.1145T>C (p.Leu382Pro)

Gene: CEP78 (centrosomal protein 78; plus strand). Cytogenetic location: 9q21.2.
Variant type: single nucleotide variant.
Coding change: c.1145T>C on transcript NM_001330691.3 (MANE Select); coding-DNA position 1145, T replaced by C.
Protein change: p.Leu382Pro; replaces leucine 382 with proline.
Molecular consequence: missense variant.
Genome position (GRCh38, 1-based): chr9:78,251,983, T>C. VCF-style: chr9-78251983-T-C. GRCh37 (hg19) VCF-style: chr9-80866899-T-C.
Other names: c.1148T>C, p.Leu383Pro (NM_001098802.3, NM_001349839.2, NM_001349840.2 and 1 more transcripts); c.1145T>C, p.Leu382Pro (NM_001330693.3, NM_001330694.2, NM_001349838.2); short protein forms L382P, L383P.
Identifiers: ClinVar variation 850151 (VCV000850151.9), dbSNP rs770910332, ClinGen allele CA5095153.